The following is an entry in ClinVar:

NM_004408.4(DNM1):c.589+4G>T

Genes: DNM1 (dynamin 1; plus strand), LOC113839516 (Sharpr-MPRA regulatory region 8497; plus strand). Cytogenetic location: 9q34.11.
Variant type: single nucleotide variant.
Coding change: c.589+4G>T on transcript NM_004408.4 (MANE Select); 4 bases into the intron after coding-DNA position 589, G replaced by T.
Molecular consequence: intron variant.
Genome position (GRCh38, 1-based): chr9:128,219,256, G>T. VCF-style: chr9-128219256-G-T. GRCh37 (hg19) VCF-style: chr9-130981535-G-T.
Other names: c.589+4G>T (NM_001005336.3, NM_001288738.2, NM_001288737.2 and 1 more transcripts).
Identifiers: ClinVar variation 587877 (VCV000587877.10), dbSNP rs751407306, ClinGen allele CA5257828.

ClinVar aggregate classification (germline): Uncertain significance. Review status: criteria provided, multiple submitters, no conflicts (2 of 4 stars). 2 submissions from 2 submitters: Uncertain significance (2). Last evaluated 2025-06-22.

Conditions:
Developmental and epileptic encephalopathy, 31A. Also called: Epileptic encephalopathy, early infantile, 31; Developmental and epileptic encephalopathy, 31. Identifiers: Orphanet 2382, MedGen C4225357, MONDO:0014598, OMIM 616346.
Inborn genetic diseases. Identifiers: MedGen C0950123, MeSH D030342.

Allele frequency attached by ClinVar (database versions not stated): gnomAD exomes below 0.00001; ExAC 0.00001.
gnomAD v4.1: 6 of 1,613,834 alleles (0.00037%); highest among the groups gnomAD compares: African/African-American, 0.0027%; no homozygotes.

Submissions (2):

Labcorp Genetics (formerly Invitae), Labcorp
Classification: Uncertain significance for Developmental and epileptic encephalopathy, 31A. Last evaluated: 2025-06-22. Review status: criteria provided, single submitter. Criteria: Invitae Variant Classification Sherloc (09022015). Collection method: clinical testing. Allele origin: germline.
Comment: This sequence change falls in intron 4 of the DNM1 gene. It does not directly change the encoded amino acid sequence of the DNM1 protein. It affects a nucleotide within the consensus splice site. The frequency data for this variant in the population databases is considered unreliable, as metrics indicate poor data quality at this position in the gnomAD database. This variant has not been reported in the literature in individuals affected with DNM1-related conditions. ClinVar contains an entry for this variant (Variation ID: 587877). Variants that disrupt the consensus splice site are a relatively common cause of aberrant splicing (PMID: 17576681, 9536098). Algorithms developed to predict the effect of sequence changes on RNA splicing suggest that this variant is not likely to affect RNA splicing. In summary, the available evidence is currently insufficient to determine the role of this variant in disease. Therefore, it has been classified as a Variant of Uncertain Significance.

Ambry Genetics
Classification: Uncertain significance for Inborn genetic diseases. Last evaluated: 2016-05-26. Review status: criteria provided, single submitter. Criteria: Ambry Variant Classification Scheme 2023. Collection method: clinical testing. Allele origin: germline.
Comment: The c.589+4G>T intronic variant results from a G to T substitution 4 nucleotides after coding exon 4 in the DNM1 gene. This variant was not reported in population based cohorts in the following databases: Database of Single Nucleotide Polymorphisms (dbSNP), NHLBI Exome Sequencing Project (ESP), and 1000 Genomes Project. In the ESP, this variant was not observed in 6503 samples (13006 alleles) with coverage at this position. This nucleotide position is not well conserved in available vertebrate species. Using the BDGP and ESEfinder splice site prediction tools, this alteration is not predicted to have any significant effect on this splice donor site; however, direct evidence is unavailable. Since supporting evidence is limited at this time, the clinical significance of this alteration remains unclear.

Literature cited by the submitters: PubMed 17576681 (cited by Labcorp Genetics (formerly Invitae), Labcorp); PubMed 9536098 (cited by Labcorp Genetics (formerly Invitae), Labcorp).